The following is an entry in ClinVar:

ClinVar aggregate classification (germline): Likely pathogenic (1 of 4 stars; one submission).

Conditions:
Weill-Marchesani syndrome 3 (WMS3). Also called: Weill-Marchesani syndrome 3, recessive; LTBP2-Related Weill-Marchesani Syndrome. Identifiers: Orphanet 3449, MedGen C3553785, MONDO:0013899, OMIM 614819.
Glaucoma 3, primary congenital, D. Identifiers: Orphanet 98976, MedGen C2751316, MONDO:0013122, OMIM 613086.
Microspherophakia and/or megalocornea, with ectopia lentis and with or without secondary glaucoma (MSPKA). Identifiers: Orphanet 238763, MedGen C3538951, MONDO:0009633, OMIM 251750.

Submission:

Juno Genomics, Hangzhou Juno Genomics, Inc
Classification: Likely pathogenic for Weill-Marchesani syndrome 3; Glaucoma 3, primary congenital, D; Microspherophakia and/or megalocornea, with ectopia lentis and with or without secondary glaucoma. Review status: criteria provided, single submitter. Criteria: ACMG Guidelines, 2015. Collection method: clinical testing. Allele origin: germline.
Comment: Null variant in a gene where loss of function (LOF) is a known mechanism of disease.;Absent from controls (or at extremely low frequency if recessive) in Genome Aggregation Database.

NM_000428.3(LTBP2):c.1000G>T (p.Glu334Ter)

Gene: LTBP2 (latent transforming growth factor beta binding protein 2; minus strand). Cytogenetic location: 14q24.3.
Variant type: single nucleotide variant.
Coding change: c.1000G>T on transcript NM_000428.3 (MANE Select); coding-DNA position 1000, G replaced by T.
Protein change: p.Glu334Ter; replaces glutamic acid 334 with a stop codon.
Molecular consequence: nonsense.
Genome position (GRCh38, 1-based): chr14:74,555,524, C>A on the plus strand (G>T on the coding strand, the complement: LTBP2 is on the minus strand). VCF-style: chr14-74555524-C-A. GRCh37 (hg19) VCF-style: chr14-75022227-C-A.
Other names: short protein forms E334*.
Identifiers: ClinVar variation 5005343 (VCV005005343.2).